The following is an entry in ClinVar:

NM_001083962.2(TCF4):c.1304C>A (p.Ser435Ter)

Gene: TCF4 (transcription factor 4; minus strand). Cytogenetic location: 18q21.2.
Variant type: single nucleotide variant.
Coding change: c.1304C>A on transcript NM_001083962.2 (MANE Select); coding-DNA position 1304, C replaced by A.
Protein change: p.Ser435Ter; replaces serine 435 with a stop codon.
Molecular consequence: nonsense.
Genome position (GRCh38, 1-based): chr18:55,254,543, G>T on the plus strand (C>A on the coding strand, the complement: TCF4 is on the minus strand). VCF-style: chr18-55254543-G-T. GRCh37 (hg19) VCF-style: chr18-52921774-G-T.
Other names: c.824C>A, p.Ser275Ter (NM_001243235.2, NM_001243236.2, NM_001348216.2 and 1 more transcripts); c.1232C>A, p.Ser411Ter (NM_001306207.1, NM_001348217.1, NM_001348218.2 and 5 more transcripts); c.1091C>A, p.Ser364Ter (NM_001306208.1, NM_001243232.1); c.1301C>A, p.Ser434Ter (NM_001330604.3, NM_001369569.1, NM_001369570.1 and 2 more transcripts); c.914C>A, p.Ser305Ter (NM_001330605.3, NM_001348212.2, NM_001348213.2 and 1 more transcripts); c.1178C>A, p.Ser393Ter (NM_001348211.2, NM_001243231.2); c.821C>A, p.Ser274Ter (NM_001348214.2); c.656C>A, p.Ser219Ter (NM_001348215.2); and 6 more; short protein forms S219*, S274*, S275*, S305*, S364*, S393*, S410*, S411*.
Identifiers: ClinVar variation 2572947 (VCV002572947.1), dbSNP rs1555763998, ClinGen allele CA402533317.

ClinVar aggregate classification (germline): Pathogenic (1 of 4 stars; one submission).

Submission:

GeneDx
Classification: Pathogenic. Last evaluated: 2023-07-16. Review status: criteria provided, single submitter. Criteria: GeneDx Variant Classification Process June 2021. Collection method: clinical testing. Allele origin: germline. Affected: yes.
Comment: Nonsense variant predicted to result in protein truncation or nonsense mediated decay in a gene for which loss-of-function is a known mechanism of disease; Not observed at significant frequency in large population cohorts (gnomAD); Has not been previously published as pathogenic or benign to our knowledge